The following is an entry in ClinVar:

ClinVar aggregate classification (germline): Uncertain significance (1 of 4 stars; one submission).

gnomAD v4.1: 3 of 1,606,932 alleles (0.00019%); highest among the groups gnomAD compares: African/African-American, 0.004%; no homozygotes.

Submission:

Labcorp Genetics (formerly Invitae), Labcorp
Classification: Uncertain significance. Last evaluated: 2025-04-29. Review status: criteria provided, single submitter. Criteria: Invitae Variant Classification Sherloc (09022015). Collection method: clinical testing. Allele origin: germline.
Comment: This sequence change replaces valine, which is neutral and non-polar, with isoleucine, which is neutral and non-polar, at codon 167 of the SLC16A1 protein (p.Val167Ile). This variant is present in population databases (no rsID available, gnomAD 0.007%). This variant has not been reported in the literature in individuals affected with SLC16A1-related conditions. An algorithm developed to predict the effect of missense changes on protein structure and function (PolyPhen-2) suggests that this variant is likely to be tolerated. In summary, the available evidence is currently insufficient to determine the role of this variant in disease. Therefore, it has been classified as a Variant of Uncertain Significance.

NM_003051.4(SLC16A1):c.499G>A (p.Val167Ile)

Gene: SLC16A1 (solute carrier family 16 member 1; minus strand). Cytogenetic location: 1p13.2.
Variant type: single nucleotide variant.
Coding change: c.499G>A on transcript NM_003051.4 (MANE Select); coding-DNA position 499, G replaced by A.
Protein change: p.Val167Ile; replaces valine 167 with isoleucine.
Molecular consequence: missense variant.
Genome position (GRCh38, 1-based): chr1:112,917,907, C>T on the plus strand (G>A on the coding strand, the complement: SLC16A1 is on the minus strand). VCF-style: chr1-112917907-C-T. GRCh37 (hg19) VCF-style: chr1-113460529-C-T.
Other names: c.499G>A, p.Val167Ile (NM_001166496.2); short protein forms V167I.
Identifiers: ClinVar variation 4772265 (VCV004772265.1).
Genomic context (GRCh38, chr1:112,917,907, plus strand): 5'-TTAGTAGCAAGCCCCCAAGAATTAGAAAGCTTCCTCTCCATCCAAAGATACCGAAGAAAA[C>T]CTGATTGAGGGGGGCCAGAGTACAGAGGAACACAGGGCTGCCTGCCATGGCCAGTCCGTT-3'
Protein context (NP_003042.3, residues 157-177): FLCTLAPLNQ[Val167Ile]FFGIFGWRGS